The following is an entry in ClinVar:

ClinVar aggregate classification (germline): Uncertain significance. Review status: criteria provided, single submitter (1 of 4 stars). 2 submissions from 1 submitter: Uncertain significance (2). Last evaluated 2024-01-01.

Conditions:
Glycine encephalopathy. Also called: Non-ketotic hyperglycinemia; Nonketotic hyperglycinemia. Identifiers: Orphanet 407, MedGen C0751748, MONDO:0011612, HP:0008288.
Epileptic encephalopathy. Identifiers: MedGen C0543888, HP:0200134.

gnomAD v4.1: 6 of 800,130 alleles (0.00075%); highest among the groups gnomAD compares: South Asian, 0.0065%; no homozygotes.

Submissions (2):

Unidad de Genómica Garrahan, Hospital de Pediatría Garrahan
Classification: Uncertain significance for Epileptic encephalopathy. Last evaluated: 2024-01-01. Review status: criteria provided, single submitter. Criteria: ACMG Guidelines, 2015. Collection method: clinical testing. Allele origin: paternal. Affected: yes. Observed: 1 variant allele.
Comment: ACMG/AMP criteria applied: PM2_supporting. Observed in compound heterozygosity with NM_000170.3:c.1666-39A>G. Deep intronic variant.

Unidad de Genómica Garrahan, Hospital de Pediatría Garrahan
Classification: Uncertain significance for Glycine encephalopathy. Last evaluated: 2024-01-01. Review status: criteria provided, single submitter. Criteria: ACMG Guidelines, 2015. Collection method: clinical testing. Allele origin: paternal. Affected: yes. Observed: 1 variant allele.
Comment: ACMG/AMP criteria applied: PM2_supporting. Deep intronic variant.

NM_000170.3(GLDC):c.1058+144A>G

Gene: GLDC (glycine decarboxylase; minus strand). Cytogenetic location: 9p24.1.
Variant type: single nucleotide variant.
Coding change: c.1058+144A>G on transcript NM_000170.3 (MANE Select); 144 bases into the intron after coding-DNA position 1058, A replaced by G.
Molecular consequence: intron variant.
Genome position (GRCh38, 1-based): chr9:6,604,444, T>C on the plus strand (A>G on the coding strand, the complement: GLDC is on the minus strand). VCF-style: chr9-6604444-T-C. GRCh37 (hg19) VCF-style: chr9-6604444-T-C.
Identifiers: ClinVar variation 4857217 (VCV004857217.2).